The following is an entry in ClinVar:

ClinVar aggregate classification (germline): Pathogenic (1 of 4 stars; one submission).

Conditions:
Inborn genetic diseases. Identifiers: MedGen C0950123, MeSH D030342.

Submission:

Ambry Genetics
Classification: Pathogenic for Inborn genetic diseases. Last evaluated: 2022-10-07. Review status: criteria provided, single submitter. Criteria: Ambry Variant Classification Scheme 2023. Collection method: clinical testing. Allele origin: germline.
Comment: The c.1776dupA (p.C593Mfs*17) alteration, located in exon 15 (coding exon 15) of the ERBB4 gene, consists of a duplication of A at position 1776, causing a translational frameshift with a predicted alternate stop codon after 17 amino acids. This alteration is expected to result in loss of function by premature protein truncation or nonsense-mediated mRNA decay. This variant was not reported in population-based cohorts in the Genome Aggregation Database (gnomAD). Based on the available evidence, this alteration is classified as pathogenic.

NM_005235.3(ERBB4):c.1776dup (p.Cys593fs)

Gene: ERBB4 (erb-b2 receptor tyrosine kinase 4; minus strand). Cytogenetic location: 2q34.
Variant type: Duplication.
Coding change: c.1776dup on transcript NM_005235.3 (MANE Select); coding-DNA position 1776, one base duplicated (A; older notation c.1776dupA).
Protein change: p.Cys593fs; shifts the reading frame from cysteine 593.
Molecular consequence: frameshift variant.
Genome position (GRCh38, 1-based): chr2:211,665,418, T duplicated on the plus strand (A on the coding strand, the reverse complement: ERBB4 is on the minus strand); the first of 5 consecutive T bases (chr2:211,665,418-211,665,422); duplicating any one gives the same sequence. VCF-style (leftmost placement, unchanged base first): chr2-211665417-A-AT. GRCh37 (hg19) VCF-style: chr2-212530142-A-AT.
Other names: c.1772dup, p.Cys593Metfs (NM_001042599.2); short protein forms C593fs.
Identifiers: ClinVar variation 2229731 (VCV002229731.2), dbSNP rs2469694284, ClinGen allele CA2580065558.
Genomic context (GRCh38, chr2:211,665,417, plus strand): 5'-CCCGATCTGGATCAGCATACTTGAAAATGAAACTGTTTGCCCCCTGTAAGCCATCTGGAC[A>AT]TTTTTCCACACAGTTTGGGCCATCTTTAAAATGAGAGCACTTTGTACAGTTGTCAGGACC-3'